The following is an entry in ClinVar:

NM_001164277.2(SLC37A4):c.274A>G (p.Ile92Val)

Gene: SLC37A4 (solute carrier family 37 member 4; minus strand). Cytogenetic location: 11q23.3.
Variant type: single nucleotide variant.
Coding change: c.274A>G on transcript NM_001164277.2 (MANE Select); coding-DNA position 274, A replaced by G.
Protein change: p.Ile92Val; replaces isoleucine 92 with valine.
Molecular consequence: missense variant.
Genome position (GRCh38, 1-based): chr11:119,028,301, T>C on the plus strand (A>G on the coding strand, the complement: SLC37A4 is on the minus strand). VCF-style: chr11-119028301-T-C. GRCh37 (hg19) VCF-style: chr11-118899011-T-C.
Other names: c.274A>G, p.Ile92Val (NM_001164278.2, NM_001164280.2, NM_001467.6); c.55A>G, p.Ile19Val (NM_001164279.2); short protein forms I19V, I92V.
Identifiers: ClinVar variation 877116 (VCV000877116.7), dbSNP rs1280285676, ClinGen allele CA382905382.

ClinVar aggregate classification (germline): Uncertain significance. Review status: criteria provided, multiple submitters, no conflicts (2 of 4 stars). 2 submissions from 2 submitters: Uncertain significance (2). Last evaluated 2025-10-30.

Conditions:
Glycogen storage disease, type I. Identifiers: Orphanet 364, MedGen C0017920, MONDO:0002413.
Glucose-6-phosphate transport defect (GSD1B). Also called: GSD Ib; Glycogen Storage Disease Type Ib. Identifiers: Orphanet 364, Orphanet 79259, MedGen C0268146, MONDO:0009288, OMIM 232220.

Allele frequency attached by ClinVar (database versions not stated): gnomAD exomes below 0.00001.

Submissions (2):

Labcorp Genetics (formerly Invitae), Labcorp
Classification: Uncertain significance for Glucose-6-phosphate transport defect. Last evaluated: 2025-10-30. Review status: criteria provided, single submitter. Criteria: Invitae Variant Classification Sherloc (09022015). Collection method: clinical testing. Allele origin: germline.
Comment: This sequence change replaces isoleucine, which is neutral and non-polar, with valine, which is neutral and non-polar, at codon 92 of the SLC37A4 protein (p.Ile92Val). This variant is present in population databases (no rsID available, gnomAD 0.0009%). This variant has not been reported in the literature in individuals affected with SLC37A4-related conditions. ClinVar contains an entry for this variant (Variation ID: 877116). Invitae Evidence Modeling of protein sequence and biophysical properties (such as structural, functional, and spatial information, amino acid conservation, physicochemical variation, residue mobility, and thermodynamic stability) indicates that this missense variant is not expected to disrupt SLC37A4 protein function with a negative predictive value of 80%. In summary, the available evidence is currently insufficient to determine the role of this variant in disease. Therefore, it has been classified as a Variant of Uncertain Significance.

Illumina Laboratory Services, Illumina
Classification: Uncertain significance for Glycogen storage disease, type I. Last evaluated: 2018-01-13. Review status: criteria provided, single submitter. Criteria: ICSL Variant Classification Criteria 13 December 2019. Collection method: clinical testing. Allele origin: germline.